The following is an entry in ClinVar:

NM_000245.4(MET):c.176A>G (p.Glu59Gly)

Gene: MET (MET proto-oncogene, receptor tyrosine kinase; plus strand). Cytogenetic location: 7q31.2.
Variant type: single nucleotide variant.
Coding change: c.176A>G on transcript NM_000245.4 (MANE Select); coding-DNA position 176, A replaced by G.
Protein change: p.Glu59Gly; replaces glutamic acid 59 with glycine.
Molecular consequence: missense variant. On other transcripts: intron variant (1).
Genome position (GRCh38, 1-based): chr7:116,699,260, A>G. VCF-style: chr7-116699260-A-G. GRCh37 (hg19) VCF-style: chr7-116339314-A-G.
Other names: c.176A>G, p.Glu59Gly (NM_001127500.3, NM_001324401.3); c.-91+26683A>G (NM_001324402.2); short protein forms E59G.
Identifiers: ClinVar variation 524866 (VCV000524866.12), dbSNP rs1554378297, ClinGen allele CA368968502.
Genomic context (GRCh38, chr7:116,699,260, plus strand): 5'-TGAAGTATCAGCTTCCCAACTTCACCGCGGAAACACCCATCCAGAATGTCATTCTACATG[A>G]GCATCACATTTTCCTTGGTGCCACTAACTACATTTATGTTTTAAATGAGGAAGACCTTCA-3'
Protein context (NP_000236.2, residues 49-69): ETPIQNVILH[Glu59Gly]HHIFLGATNY

ClinVar aggregate classification (germline): Conflicting classifications of pathogenicity. Review status: criteria provided, conflicting classifications (1 of 4 stars). 2 submissions from 2 submitters: Uncertain significance (1); Likely benign (1). Last evaluated 2026-06-04.

Conditions:
Hereditary cancer-predisposing syndrome. Also called: Tumor predisposition; Hereditary neoplastic syndrome; Neoplastic Syndromes, Hereditary; Hereditary Cancer Syndrome. Identifiers: Orphanet 140162, MedGen C0027672, MeSH D009386, MONDO:0015356.
Renal cell carcinoma. Identifiers: Orphanet 217071, MedGen C0007134, MeSH D002292, MONDO:0005086, HP:0005584.

Submissions (2):

Ambry Genetics
Classification: Likely benign for Hereditary cancer-predisposing syndrome. Last evaluated: 2026-06-04. Review status: criteria provided, single submitter. Criteria: Ambry Variant Classification Scheme 2023. Collection method: clinical testing. Allele origin: germline.

Labcorp Genetics (formerly Invitae), Labcorp
Classification: Uncertain significance for Renal cell carcinoma. Last evaluated: 2017-12-29. Review status: criteria provided, single submitter. Criteria: Invitae Variant Classification Sherloc (09022015). Collection method: clinical testing. Allele origin: germline.
Comment: In summary, the available evidence is currently insufficient to determine the role of this variant in disease. Therefore, it has been classified as a Variant of Uncertain Significance. Algorithms developed to predict the effect of missense changes on protein structure and function output the following: SIFT: "Tolerated"; PolyPhen-2: "Benign"; Align-GVGD: "Class C0". The glycine amino acid residue is found in multiple mammalian species, suggesting that this missense change does not adversely affect protein function. These predictions have not been confirmed by published functional studies and their clinical significance is uncertain. This variant has not been reported in the literature in individuals with MET-related disease. This variant is not present in population databases (ExAC no frequency). This sequence change replaces glutamic acid with glycine at codon 59 of the MET protein (p.Glu59Gly). The glutamic acid residue is weakly conserved and there is a moderate physicochemical difference between glutamic acid and glycine.